The following is an entry in ClinVar:

NM_000160.5(GCGR):c.464_493del (p.Ala155_Gly164del)

Gene: GCGR (glucagon receptor; plus strand). Cytogenetic location: 17q25.3.
Variant type: Deletion.
Coding change: c.464_493del on transcript NM_000160.5 (MANE Select); coding-DNA positions 464 to 493, 30 bases deleted (CCCTGCTCCTCGCCTTGGCCATCCTGGGGG).
Protein change: p.Ala155_Gly164del.
Molecular consequence: inframe deletion.
Genome position (GRCh38, 1-based): chr17:81,811,292-81,811,321, CCCTGCTCCTCGCCTTGGCCATCCTGGGGG deleted; deleting any 30 consecutive bases within chr17:81,811,284-81,811,321 gives the same sequence; the c. name uses the placement nearest the transcript's 3' end. VCF-style (leftmost placement, unchanged base first): chr17-81811283-CCCTGGGGGCCCTGCTCCTCGCCTTGGCCAT-C. GRCh37 (hg19) VCF-style: chr17-79769159-CCCTGGGGGCCCTGCTCCTCGCCTTGGCCAT-C.
Identifiers: ClinVar variation 1953492 (VCV001953492.5), dbSNP rs1169861271, ClinGen allele CA775689171.

ClinVar aggregate classification (germline): Uncertain significance (1 of 4 stars; one submission).

Submission:

Labcorp Genetics (formerly Invitae), Labcorp
Classification: Uncertain significance. Last evaluated: 2022-10-14. Review status: criteria provided, single submitter. Criteria: Invitae Variant Classification Sherloc (09022015). Collection method: clinical testing. Allele origin: germline.
Comment: Algorithms developed to predict the effect of sequence changes on RNA splicing suggest that this variant may disrupt the consensus splice site. In summary, the available evidence is currently insufficient to determine the role of this variant in disease. Therefore, it has been classified as a Variant of Uncertain Significance. Experimental studies and prediction algorithms are not available or were not evaluated, and the functional significance of this variant is currently unknown. This variant, c.464_493del, results in the deletion of 10 amino acid(s) of the GCGR protein (p.Ala155_Gly164del), but otherwise preserves the integrity of the reading frame. This variant is not present in population databases (gnomAD no frequency). This variant has not been reported in the literature in individuals affected with GCGR-related conditions.